The following is an entry in ClinVar:

ClinVar aggregate classification (germline): Pathogenic. Review status: no assertion criteria provided (0 of 4 stars). 2 submissions from 2 submitters: Pathogenic (2). Last evaluated 2022-03-31.

Conditions:
Hearing loss, autosomal dominant 84. Also called: DEAFNESS, AUTOSOMAL DOMINANT 84. Identifiers: MedGen C5676952, MONDO:0030724, OMIM 619810.
Autosomal dominant nonsyndromic hearing loss 33. Also called: Deafness, autosomal dominant 33. Identifiers: Orphanet 90635, MedGen C3887930, MONDO:0013632, OMIM 614211.

Submissions (2):

OMIM
Classification: Pathogenic for DEAFNESS, AUTOSOMAL DOMINANT 84. Last evaluated: 2022-03-31. Review status: no assertion criteria provided. Collection method: literature only. Allele origin: germline.

Laboratory of Prof. Karen Avraham, Tel Aviv University
Classification: Pathogenic for DFNA33. Last evaluated: 2021-12-08. Review status: no assertion criteria provided. Collection method: research. Allele origin: germline. Affected: yes.

Literature cited by the submitters: PubMed 35278131 (cited by OMIM); PubMed 30311386 (cited by Laboratory of Prof. Karen Avraham, Tel Aviv University).

NM_015205.3(ATP11A):c.3322_3327+2dup

Gene: ATP11A (ATPase phospholipid transporting 11A; plus strand). Cytogenetic location: 13q34.
Variant type: Duplication.
Coding change: c.3322_3327+2dup on transcript NM_015205.3 (MANE Select); coding-DNA position 3322 through the canonical splice donor site of the intron after coding-DNA position 3327, 8 bases duplicated (GTCCAGGT; older notation c.3322_3327+2dupGTCCAGGT).
Molecular consequence: splice donor variant.
Genome position (GRCh38, 1-based): chr13:112,875,936-112,875,943, GTCCAGGT duplicated. VCF-style (leftmost placement, unchanged base first): chr13-112875935-A-AGTCCAGGT. GRCh37 (hg19) VCF-style: chr13-113530249-A-AGTCCAGGT.
Other names: c.3322_3327+2dup (NM_032189.4); c.3322_3327+2dupGTCCAGGT (NM_032189.4).
Identifiers: ClinVar variation 1327581 (VCV001327581.2), dbSNP rs2140433062, ClinGen allele CA2573053780.